The following is an entry in ClinVar:

ClinVar aggregate classification (germline): Pathogenic/Likely pathogenic. Review status: criteria provided, multiple submitters, no conflicts (2 of 4 stars). 4 submissions from 4 submitters: Pathogenic (2); Likely pathogenic (2). Last evaluated 2024-01-25.

Conditions:
Fanconi anemia (FA). Also called: Fanconi's anemia. Identifiers: Orphanet 84, MedGen C0015625, MeSH D005199, MONDO:0019391.
Fanconi anemia complementation group A (FANCA). Also called: Fanconi anemia, group A; FANCA-Related Fanconi Anemia. Identifiers: Orphanet 84, MedGen C3469521, MONDO:0009215, OMIM 227650.

Submissions (4):

Labcorp Genetics (formerly Invitae), Labcorp
Classification: Pathogenic for Fanconi anemia. Last evaluated: 2024-01-25. Review status: criteria provided, single submitter. Criteria: Invitae Variant Classification Sherloc (09022015). Collection method: clinical testing. Allele origin: germline.
Comment: This sequence change affects an acceptor splice site in intron 20 of the FANCA gene. It is expected to disrupt RNA splicing. Variants that disrupt the donor or acceptor splice site typically lead to a loss of protein function (PMID: 16199547), and loss-of-function variants in FANCA are known to be pathogenic (PMID: 19367192). This variant is not present in population databases (gnomAD no frequency). Disruption of this splice site has been observed in individuals with Fanconi anemia (PMID: 19367192). ClinVar contains an entry for this variant (Variation ID: 1319527). Algorithms developed to predict the effect of sequence changes on RNA splicing suggest that this variant may disrupt the consensus splice site. For these reasons, this variant has been classified as Pathogenic.

St. Jude Molecular Pathology, St. Jude Children's Research Hospital
Classification: Likely pathogenic for Fanconi anemia complementation group A. Last evaluated: 2023-08-17. Review status: criteria provided, single submitter. Criteria: St. Jude Assertion Criteria 2020. Collection method: clinical testing. Allele origin: germline.
Comment: The FANCA c.1827-2A>G intronic change results in an A to G substitution at the -2 position of intron 20 of the FANCA gene. This variant is predicted to result in loss of the native splice acceptor site and may result in the use of a cryptic acceptor site. This change is predicted to cause protein truncation or absence of protein due to nonsense-mediated decay. To our knowledge, this variant has not been reported in individuals with Fanconi anemia. This variant is absent in gnomAD v2.1.1. In summary, this variant meets criteria to be classified as likely pathogenic.

Baylor Genetics
Classification: Likely pathogenic for Fanconi anemia complementation group A. Last evaluated: 2022-03-12. Review status: criteria provided, single submitter. Criteria: ACMG Guidelines, 2015. Collection method: clinical testing. Allele origin: unknown.

Institute for Clinical Genetics, University Hospital TU Dresden, University Hospital TU Dresden
Classification: Pathogenic. Last evaluated: 2021-11-03. Review status: criteria provided, single submitter. Criteria: ACMG Guidelines, 2015. Collection method: clinical testing. Allele origin: germline.

Literature cited by the submitters: PubMed 16199547 (cited by Labcorp Genetics (formerly Invitae), Labcorp); PubMed 19367192 (cited by Labcorp Genetics (formerly Invitae), Labcorp).

NM_000135.4(FANCA):c.1827-2A>G

Gene: FANCA (FA complementation group A; minus strand). Cytogenetic location: 16q24.3.
Variant type: single nucleotide variant.
Coding change: c.1827-2A>G on transcript NM_000135.4 (MANE Select); the canonical splice acceptor site of the intron before coding-DNA position 1827, A replaced by G.
Molecular consequence: splice acceptor variant.
Genome position (GRCh38, 1-based): chr16:89,775,817, T>C on the plus strand (A>G on the coding strand, the complement: FANCA is on the minus strand). VCF-style: chr16-89775817-T-C. GRCh37 (hg19) VCF-style: chr16-89842225-T-C.
Other names: c.1827-2A>G (NM_001286167.3).
Identifiers: ClinVar variation 1319527 (VCV001319527.10), dbSNP rs2143393518, ClinGen allele CA397452233.